The following is an entry in ClinVar:

ClinVar aggregate classification (germline): Pathogenic/Likely pathogenic. Review status: criteria provided, multiple submitters, no conflicts (2 of 4 stars). 4 submissions from 4 submitters: Pathogenic (3); Likely pathogenic (1). Last evaluated 2024-09-11.

Conditions:
Neurofibromatosis, type 1 (NF1). Also called: Neurofibromatosis, type I; NEUROFIBROMATOSIS, TYPE I, SOMATIC; Peripheral type neurofibromatosis; VON RECKLINGHAUSEN DISEASE. Identifiers: Orphanet 636, MedGen C0027831, MONDO:0018975, OMIM 162200. Disease mechanism: loss of function.
NF1-related disorder. Also called: NF1-related condition. Identifiers: MedGen CN379171.

Submissions (4):

Division of Genetic & Genomic Pathology, Hong Kong Children's Hospital
Classification: Likely pathogenic for Neurofibromatosis, type 1. Last evaluated: 2024-09-11. Review status: criteria provided, single submitter. Criteria: ACMG Guidelines, 2015. Collection method: clinical testing. Allele origin: germline. Affected: yes.
Comment: The NF1 c.3709-1G>A variant is a splice variant in intron 27 of the gene, affecting the canonical acceptor splice site. In silico algorithm SpliceAI predicts a delta score of 1.0 for acceptor loss. This variant has been reported in ClinVar as pathogenic (VCV000527473.4), and it has also been reported in an affected individual where RNA study suggested that this variant results in frameshift (PMID: 25541118). This variant is absent in population control databases (gnomAD v4.1.0). For these reasons, this variant is classified as likely pathogenic.

Blueprint Genetics
Classification: Pathogenic for NF1-related disorders. Last evaluated: 2022-03-31. Review status: criteria provided, single submitter. Criteria: ACMG Guidelines, 2015. Collection method: clinical testing. Allele origin: germline. Affected: yes. Observed: 1 variant allele.

Labcorp Genetics (formerly Invitae), Labcorp
Classification: Pathogenic for Neurofibromatosis, type 1. Last evaluated: 2017-12-15. Review status: criteria provided, single submitter. Criteria: Invitae Variant Classification Sherloc (09022015). Collection method: clinical testing. Allele origin: germline.
Comment: For these reasons, this variant has been classified as Pathogenic. Donor and acceptor splice site variants typically lead to a loss of protein function (PMID: 16199547), and loss-of-function variants in NF1 are known to be pathogenic (PMID: 10712197, 23913538). This variant has been reported in an individual affected with neurofibromatosis type 1 (PMID: 25541118). This variant is not present in population databases (ExAC no frequency). This sequence change affects an acceptor splice site in intron 27 of the NF1 gene. It is expected to disrupt RNA splicing and likely results in an absent or disrupted protein product.

Clinical Genetics Service, Universitary Hospital 12 de Octubre
Classification: Pathogenic for Neurofibromatosis, type 1. Review status: criteria provided, single submitter. Criteria: ACMG Guidelines, 2015. Collection method: clinical testing. Allele origin: germline. Affected: yes.

Literature cited by the submitters: PubMed 25541118 (cited by Division of Genetic & Genomic Pathology, Hong Kong Children's Hospital and Labcorp Genetics (formerly Invitae), Labcorp); PubMed 16199547 (cited by Labcorp Genetics (formerly Invitae), Labcorp); PubMed 10712197 (cited by Labcorp Genetics (formerly Invitae), Labcorp); PubMed 23913538 (cited by Labcorp Genetics (formerly Invitae), Labcorp).

NM_001042492.3(NF1):c.3709-1G>A

Gene: NF1 (neurofibromin 1; plus strand). Cytogenetic location: 17q11.2.
Variant type: single nucleotide variant.
Coding change: c.3709-1G>A on transcript NM_001042492.3 (MANE Select); the canonical splice acceptor site of the intron before coding-DNA position 3709, G replaced by A.
Molecular consequence: splice acceptor variant.
Genome position (GRCh38, 1-based): chr17:31,235,610, G>A. VCF-style: chr17-31235610-G-A. GRCh37 (hg19) VCF-style: chr17-29562628-G-A.
Other names: c.3709-1G>A (NM_000267.4).
Identifiers: ClinVar variation 527473 (VCV000527473.9), dbSNP rs1555615431, ClinGen allele CA398992253.